The following is an entry in ClinVar:

NM_004991.4(MECOM):c.2540A>T (p.Tyr847Phe)

Gene: MECOM (MDS1 and EVI1 complex locus; minus strand). Cytogenetic location: 3q26.2.
Variant type: single nucleotide variant.
Coding change: c.2540A>T on transcript NM_004991.4 (MANE Select); coding-DNA position 2540, A replaced by T.
Protein change: p.Tyr847Phe; replaces tyrosine 847 with phenylalanine.
Molecular consequence: missense variant.
Genome position (GRCh38, 1-based): chr3:169,112,824, T>A on the plus strand (A>T on the coding strand, the complement: MECOM is on the minus strand). VCF-style: chr3-169112824-T-A. GRCh37 (hg19) VCF-style: chr3-168830612-T-A.
Other names: c.2171A>T, p.Tyr724Phe (NM_001105077.4); c.1976A>T, p.Tyr659Phe (NM_001105078.4, NM_001164000.2, NM_001205194.2 and 4 more transcripts); c.1979A>T, p.Tyr660Phe (NM_001163999.2, NM_001366467.2, NM_001366468.2 and 1 more transcripts); c.2540A>T, p.Tyr847Phe (NM_001366466.2); c.1568A>T, p.Tyr523Phe (NM_001366473.2); c.1004A>T, p.Tyr335Phe (NM_001366474.2); c.2540A>T (NM_004991.3); short protein forms Y660F, Y847F, Y335F, Y523F, Y724F, Y659F.
Identifiers: ClinVar variation 2873227 (VCV002873227.4), dbSNP rs746249601, ClinGen allele CA2696133.
Genomic context (GRCh38, chr3:169,112,824, plus strand): 5'-AATCTCAAATCCAAAATACTTACTTGTGGGTGAAACAAGAATCCTGGAGAAGGCCTCAAG[T>A]ATTTCTCTTTTAAAGCTTCAAGTGGGTCAGTTAGTTTTCTTTTCTCTACTCTGAAAGGTT-3'
Protein context (NP_004982.2, residues 837-857): TDPLEALKEK[Tyr847Phe]LRPSPGFLFH

ClinVar aggregate classification (germline): Uncertain significance. Review status: criteria provided, multiple submitters, no conflicts (2 of 4 stars). 2 submissions from 2 submitters: Uncertain significance (2). Last evaluated 2024-11-25.

Conditions:
Inborn genetic diseases. Identifiers: MedGen C0950123, MeSH D030342.

Allele frequency attached by ClinVar (database versions not stated): ExAC 0.00002; gnomAD exomes 0.00001; TOPMed 0.00001.
gnomAD v4.1: 5 of 1,613,228 alleles (0.00031%); highest among the groups gnomAD compares: Non-Finnish European, 0.00042%; no homozygotes.

Submissions (2):

Ambry Genetics
Classification: Uncertain significance for Inborn genetic diseases. Last evaluated: 2024-11-25. Review status: criteria provided, single submitter. Criteria: Ambry Variant Classification Scheme 2023. Collection method: clinical testing. Allele origin: germline.
Comment: The p.Y847F variant (also known as c.2540A>T), located in coding exon 9 of the MECOM gene, results from an A to T substitution at nucleotide position 2540. The tyrosine at codon 847 is replaced by phenylalanine, an amino acid with highly similar properties. This amino acid position is conserved. In addition, this alteration is predicted to be tolerated by in silico analysis. Based on the available evidence, the clinical significance of this variant remains unclear.

Labcorp Genetics (formerly Invitae), Labcorp
Classification: Uncertain significance. Last evaluated: 2024-04-11. Review status: criteria provided, single submitter. Criteria: Invitae Variant Classification Sherloc (09022015). Collection method: clinical testing. Allele origin: germline.
Comment: This sequence change replaces tyrosine, which is neutral and polar, with phenylalanine, which is neutral and non-polar, at codon 659 of the MECOM protein (p.Tyr659Phe). This variant is present in population databases (rs746249601, gnomAD 0.003%). This variant has not been reported in the literature in individuals affected with MECOM-related conditions. An algorithm developed to predict the effect of missense changes on protein structure and function (PolyPhen-2) suggests that this variant is likely to be disruptive. In summary, the available evidence is currently insufficient to determine the role of this variant in disease. Therefore, it has been classified as a Variant of Uncertain Significance.